The following is an entry in ClinVar:

ClinVar aggregate classification (germline): Benign/Likely benign. Review status: criteria provided, multiple submitters, no conflicts (2 of 4 stars). 2 submissions from 2 submitters: Benign (1); Likely benign (1). Last evaluated 2024-10-17.

Conditions:
FRMD5-related condition.

Allele frequency attached by ClinVar (database versions not stated): gnomAD exomes 0.00053 and 0.00144; ExAC 0.00186; gnomAD 0.00496 and 0.00524; 1000 Genomes Project 0.00579; TOPMed 0.00579; ESP Exome Variant Server 0.00654; 1000 Genomes Project 30x 0.00656.
gnomAD v4.1: 1,540 of 1,613,998 alleles (0.095%); highest among the groups gnomAD compares: African/African-American, 1.8%; 14 homozygotes.

Submissions (2):

PreventionGenetics, part of Exact Sciences
Classification: Likely benign for FRMD5-related condition. Last evaluated: 2024-10-17. Review status: criteria provided, single submitter. Criteria: ACMG Guidelines, 2015. Collection method: clinical testing. Allele origin: germline.
Comment: This variant is classified as likely benign based on ACMG/AMP sequence variant interpretation guidelines (Richards et al. 2015 PMID: 25741868, with internal and published modifications).

Labcorp Genetics (formerly Invitae), Labcorp
Classification: Benign. Last evaluated: 2018-05-16. Review status: criteria provided, single submitter. Criteria: Invitae Variant Classification Sherloc (09022015). Collection method: clinical testing. Allele origin: germline.

NM_032892.5(FRMD5):c.615T>C (p.Tyr205=)

Gene: FRMD5 (FERM domain containing 5; minus strand). Cytogenetic location: 15q15.3.
Variant type: single nucleotide variant.
Coding change: c.615T>C on transcript NM_032892.5 (MANE Select); coding-DNA position 615, T replaced by C.
Protein change: p.Tyr205=; no amino-acid change (tyrosine 205 retained).
Molecular consequence: synonymous variant. On other transcripts: missense variant (1), initiator codon variant (1), non-coding transcript variant (1).
Genome position (GRCh38, 1-based): chr15:43,902,199, A>G on the plus strand (T>C on the coding strand, the complement: FRMD5 is on the minus strand). VCF-style: chr15-43902199-A-G. GRCh37 (hg19) VCF-style: chr15-44194397-A-G.
Other names: c.348T>C, p.Tyr116= (NM_001286490.2); c.2T>C, p.Met1Thr (NM_001286491.2); c.615T>C, p.Tyr205= (NM_001322949.2, NM_001322950.2); c.510T>C, p.Tyr170= (NM_001322951.2); c.2T>C (NM_001286491.1); short protein forms M1T.
Identifiers: ClinVar variation 713182 (VCV000713182.5), dbSNP rs148406804, ClinGen allele CA7532584.